The following is an entry in ClinVar:

NM_001298.3(CNGA3):c.1929G>A (p.Arg643=)

Gene: CNGA3 (cyclic nucleotide gated channel subunit alpha 3; plus strand). Cytogenetic location: 2q11.2.
Variant type: single nucleotide variant.
Coding change: c.1929G>A on transcript NM_001298.3 (MANE Select); coding-DNA position 1929, G replaced by A.
Protein change: p.Arg643=; no amino-acid change (arginine 643 retained).
Molecular consequence: synonymous variant.
Genome position (GRCh38, 1-based): chr2:98,397,099, G>A. VCF-style: chr2-98397099-G-A. GRCh37 (hg19) VCF-style: chr2-99013562-G-A.
Other names: c.1875G>A, p.Arg625= (NM_001079878.2); c.1929G>A (NM_001298.2).
Identifiers: ClinVar variation 2784675 (VCV002784675.4), dbSNP rs374387162, ClinGen allele CA1794116.
Genomic context (GRCh38, chr2:98,397,099, plus strand): 5'-CAAGGACCTTGAGGAGAAAGTGGAGCAGCTGGGGTCCTCCCTGGACACCCTGCAGACCAG[G>A]TTTGCACGCCTCCTGGCTGAGTACAACGCCACCCAGATGAAGATGAAGCAGCGTCTCAGC-3'
Protein context (NP_001289.1, residues 633-653): LGSSLDTLQT[Arg643=]FARLLAEYNA

ClinVar aggregate classification (germline): Likely benign. Review status: criteria provided, single submitter (1 of 4 stars). 2 submissions from 2 submitters: Likely benign (1). 1 of the submissions does not count toward it. Last evaluated 2023-07-07.

Conditions:
CNGA3-related disorder. Also called: CNGA3-related condition.

Allele frequency attached by ClinVar (database versions not stated): ExAC 0.00001; gnomAD 0.00002; ESP Exome Variant Server 0.00008.
gnomAD v4.1: 3 of 1,614,066 alleles (0.00019%); highest among the groups gnomAD compares: African/African-American, 0.004%; no homozygotes.

Submissions (2):

Labcorp Genetics (formerly Invitae), Labcorp
Classification: Likely benign. Last evaluated: 2023-07-07. Review status: criteria provided, single submitter. Criteria: Invitae Variant Classification Sherloc (09022015). Collection method: clinical testing. Allele origin: germline.

PreventionGenetics, part of Exact Sciences
Classification: Likely benign for CNGA3-related condition. Last evaluated: 2020-03-20. Review status: no assertion criteria provided. Collection method: clinical testing. Allele origin: germline. Not counted in ClinVar's aggregate classification.
Comment: This variant is classified as likely benign based on ACMG/AMP sequence variant interpretation guidelines (Richards et al. 2015 PMID: 25741868, with internal and published modifications).